The following is an entry in ClinVar:

NM_001267550.2(TTN):c.83747_83751del (p.Val27916fs)

Genes: TTN-AS1 (TTN antisense RNA 1; plus strand), TTN (titin; minus strand). Cytogenetic location: 2q31.2.
Variant type: Deletion.
Coding change: c.83747_83751del on transcript NM_001267550.2 (MANE Select); coding-DNA positions 83747 to 83751, 5 bases deleted (TTAAG; older notation c.83747_83751delTTAAG).
Protein change: p.Val27916fs; shifts the reading frame from valine 27916.
Molecular consequence: frameshift variant.
Genome position (GRCh38, 1-based): chr2:178,562,381-178,562,385, CTTAA deleted on the plus strand (TTAAG on the coding strand, the reverse complement: TTN is on the minus strand); deleting any 5 consecutive bases within chr2:178,562,381-178,562,388 gives the same sequence; the c. name uses the placement nearest the transcript's 3' end. VCF-style (leftmost placement, unchanged base first): chr2-178562380-TCTTAA-T. GRCh37 (hg19) VCF-style: chr2-179427107-TCTTAA-T.
Other names: c.78824_78828del, p.Val26275fs (NM_001256850.1); c.56552_56556del, p.Val18851fs (NM_003319.4); c.76043_76047del, p.Val25348fs (NM_133378.4); c.56927_56931del, p.Val18976fs (NM_133432.3); c.57128_57132del, p.Val19043fs (NM_133437.4); c.56552_56556delTTAAG (NM_003319.4); short protein forms V18851fs, V27916fs, V25348fs, V18976fs, V19043fs, V26275fs.
Identifiers: ClinVar variation 1748884 (VCV001748884.9), dbSNP rs2469725831, ClinGen allele CA2577170594.

ClinVar aggregate classification (germline): Likely pathogenic. Review status: criteria provided, multiple submitters, no conflicts (2 of 4 stars). 3 submissions from 3 submitters: Likely pathogenic (3). Last evaluated 2022-04-19.

Conditions:
Dilated cardiomyopathy 1G (CMD1G). Identifiers: Orphanet 154, MedGen C1858763, MONDO:0011400, OMIM 604145.
Cardiovascular phenotype. Identifiers: MedGen CN230736.
Autosomal recessive limb-girdle muscular dystrophy type 2J (LGMDR10). Also called: Limb-girdle muscular dystrophy, type 2J; MUSCULAR DYSTROPHY, LIMB-GIRDLE, AUTOSOMAL RECESSIVE 10. Identifiers: Orphanet 140922, MedGen C1837342, MONDO:0012127, OMIM 608807.

Submissions (3):

Labcorp Genetics (formerly Invitae), Labcorp
Classification: Likely pathogenic for Dilated cardiomyopathy 1G; Autosomal recessive limb-girdle muscular dystrophy type 2J. Last evaluated: 2022-04-19. Review status: criteria provided, single submitter. Criteria: Invitae Variant Classification Sherloc (09022015). Collection method: clinical testing. Allele origin: germline.
Comment: In summary, the currently available evidence indicates that the variant is pathogenic, but additional data are needed to prove that conclusively. Therefore, this variant has been classified as Likely Pathogenic. This variant is located in the A band of TTN (PMID: 25589632). Truncating variants in this region are significantly overrepresented in patients affected with dilated cardiomyopathy (PMID: 25589632). Truncating variants in this region have also been reported in individuals affected with autosomal recessive centronuclear myopathy (PMID: 23975875). This variant has not been reported in the literature in individuals affected with TTN-related conditions. This variant is not present in population databases (gnomAD no frequency). This sequence change creates a premature translational stop signal (p.Val27916Aspfs*23) in the TTN gene. While this is not anticipated to result in nonsense mediated decay, it is expected to create a truncated TTN protein.

Ambry Genetics
Classification: Likely pathogenic for Cardiovascular phenotype. Last evaluated: 2019-08-22. Review status: criteria provided, single submitter. Criteria: Ambry Variant Classification Scheme 2023. Collection method: clinical testing. Allele origin: germline.
Comment: The c.56552_56556delTTAAG variant, located in coding exon 153 of the TTN gene, results from a deletion of 5 nucleotides at nucleotide positions 56552 to 56556, causing a translational frameshift with a predicted alternate stop codon (p.V18851Dfs*23). This exon is located in the A-band region of the N2-B isoform of the titin protein and is constitutively expressed in TTN transcripts (percent spliced in or PSI 100%). This alteration is expected to result in loss of function by premature protein truncation or nonsense-mediated mRNA decay. While truncating variants in TTN are present in 1-3% of the general population, truncating variants in the A-band are the most common cause of dilated cardiomyopathy (DCM) (Herman DS et al. N. Engl. J. Med., 2012 Feb;366:619-28; Roberts AM et al. Sci Transl Med, 2015 Jan;7:270ra6). TTN truncating variants encoded in constitutive exons (PSI >90%) have been found to be significantly associated with DCM regardless of their position in titin (Schafer S et al. Nat. Genet., 2017 01;49:46-53). As such, this alteration is classified as likely pathogenic.

Juno Genomics, Hangzhou Juno Genomics, Inc
Classification: Likely pathogenic for Dilated cardiomyopathy 1G. Review status: criteria provided, single submitter. Criteria: ACMG Guidelines, 2015. Collection method: clinical testing. Allele origin: germline.
Comment: Null variant in a gene where loss of function (LOF) is a known mechanism of disease.;Absent from controls (or at extremely low frequency if recessive) in Genome Aggregation Database.

Literature cited by the submitters: PubMed 25589632 (cited by Labcorp Genetics (formerly Invitae), Labcorp); PubMed 23975875 (cited by Labcorp Genetics (formerly Invitae), Labcorp).